The following is an entry in ClinVar:

ClinVar aggregate classification (germline): Uncertain significance (1 of 4 stars; one submission).

Submission:

Labcorp Genetics (formerly Invitae), Labcorp
Classification: Uncertain significance. Last evaluated: 2022-02-03. Review status: criteria provided, single submitter. Criteria: Invitae Variant Classification Sherloc (09022015). Collection method: clinical testing. Allele origin: germline.
Comment: In summary, the available evidence is currently insufficient to determine the role of this variant in disease. Therefore, it has been classified as a Variant of Uncertain Significance. Algorithms developed to predict the effect of missense changes on protein structure and function (SIFT, PolyPhen-2, Align-GVGD) all suggest that this variant is likely to be tolerated. ClinVar contains an entry for this variant (Variation ID: 1007203). This variant has not been reported in the literature in individuals affected with KIAA1549-related conditions. This variant is not present in population databases (gnomAD no frequency). This sequence change replaces serine, which is neutral and polar, with threonine, which is neutral and polar, at codon 413 of the KIAA1549 protein (p.Ser413Thr).

NM_001164665.2(KIAA1549):c.1237T>A (p.Ser413Thr)

Gene: KIAA1549 (KIAA1549; minus strand). Cytogenetic location: 7q34.
Variant type: single nucleotide variant.
Coding change: c.1237T>A on transcript NM_001164665.2 (MANE Select); coding-DNA position 1237, T replaced by A.
Protein change: p.Ser413Thr; replaces serine 413 with threonine.
Molecular consequence: missense variant.
Genome position (GRCh38, 1-based): chr7:138,918,389, A>T on the plus strand (T>A on the coding strand, the complement: KIAA1549 is on the minus strand). VCF-style: chr7-138918389-A-T. GRCh37 (hg19) VCF-style: chr7-138603135-A-T.
Other names: c.1237T>A, p.Ser413Thr (NM_020910.3); short protein forms S413T.
Identifiers: ClinVar variation 1007203 (VCV001007203.6), dbSNP rs1812419167, ClinGen allele CA369399419.